The following is an entry in ClinVar:

NM_002834.5(PTPN11):c.1577A>G (p.Gln526Arg)

Gene: PTPN11 (protein tyrosine phosphatase non-receptor type 11; plus strand). Cytogenetic location: 12q24.13.
Variant type: single nucleotide variant.
Coding change: c.1577A>G on transcript NM_002834.5 (MANE Select); coding-DNA position 1577, A replaced by G.
Protein change: p.Gln526Arg; replaces glutamine 526 with arginine.
Molecular consequence: missense variant.
Genome position (GRCh38, 1-based): chr12:112,489,153, A>G. VCF-style: chr12-112489153-A-G. GRCh37 (hg19) VCF-style: chr12-112926957-A-G.
Other names: c.1589A>G, p.Gln530Arg (NM_001330437.2); c.1574A>G, p.Gln525Arg (NM_001374625.1); short protein forms Q530R, Q525R, Q526R.
Identifiers: ClinVar variation 4147365 (VCV004147365.1).
Genomic context (GRCh38, chr12:112,489,153, plus strand): 5'-AGACAGAAGCACAGTACCGATTTATCTATATGGCGGTCCAGCATTATATTGAAACACTAC[A>G]GCGCAGGATTGAAGAAGAGCAGGTACCAGCCTGAGGGCTGGCATGCGGATTCTCATTCTC-3'
Protein context (NP_002825.3, residues 516-536): MAVQHYIETL[Gln526Arg]RRIEEEQKSK

ClinVar aggregate classification (germline): Uncertain significance (1 of 4 stars; one submission).

Conditions:
Cardiovascular phenotype. Identifiers: MedGen CN230736.

Submission:

Ambry Genetics
Classification: Uncertain significance for Cardiovascular phenotype. Last evaluated: 2025-07-31. Review status: criteria provided, single submitter. Criteria: Ambry Variant Classification Scheme 2023. Collection method: clinical testing. Allele origin: germline.
Comment: The p.Q526R variant (also known as c.1577A>G), located in coding exon 13 of the PTPN11 gene, results from an A to G substitution at nucleotide position 1577. The glutamine at codon 526 is replaced by arginine, an amino acid with highly similar properties. This amino acid position is conserved. In addition, this alteration is predicted to be tolerated by in silico analysis. Based on the available evidence, the clinical significance of this variant remains unclear.